The following is an entry in ClinVar:

ClinVar aggregate classification (germline): Uncertain significance (1 of 4 stars; one submission).

Allele frequency attached by ClinVar (database versions not stated): TOPMed below 0.00001.
gnomAD v4.1: 1 of 1,613,978 alleles (0.000062%); highest among the groups gnomAD compares: Admixed American, 0.0017%; no homozygotes.

Submission:

Labcorp Genetics (formerly Invitae), Labcorp
Classification: Uncertain significance. Last evaluated: 2025-10-21. Review status: criteria provided, single submitter. Criteria: Invitae Variant Classification Sherloc (09022015). Collection method: clinical testing. Allele origin: germline.
Comment: This sequence change replaces glutamine, which is neutral and polar, with histidine, which is basic and polar, at codon 1028 of the ITGAM protein (p.Gln1028His). This variant is present in population databases (no rsID available, gnomAD 0.003%). This variant has not been reported in the literature in individuals affected with ITGAM-related conditions. ClinVar contains an entry for this variant (Variation ID: 1951939). An algorithm developed to predict the effect of missense changes on protein structure and function outputs the following: PolyPhen-2: "Benign". The histidine amino acid residue is found in multiple mammalian species, which suggests that this missense change does not adversely affect protein function. In summary, the available evidence is currently insufficient to determine the role of this variant in disease. Therefore, it has been classified as a Variant of Uncertain Significance.

NM_000632.4(ITGAM):c.3084G>T (p.Gln1028His)

Gene: ITGAM (integrin subunit alpha M; plus strand). Cytogenetic location: 16p11.2.
Variant type: single nucleotide variant.
Coding change: c.3084G>T on transcript NM_000632.4 (MANE Select); coding-DNA position 3084, G replaced by T.
Protein change: p.Gln1028His; replaces glutamine 1028 with histidine.
Molecular consequence: missense variant.
Genome position (GRCh38, 1-based): chr16:31,330,331, G>T. VCF-style: chr16-31330331-G-T. GRCh37 (hg19) VCF-style: chr16-31341652-G-T.
Other names: c.3087G>T, p.Gln1029His (NM_001145808.2); short protein forms Q1029H, Q1028H.
Identifiers: ClinVar variation 1951939 (VCV001951939.5), dbSNP rs1192221167, ClinGen allele CA395701539.